The following is an entry in ClinVar:

ClinVar aggregate classification (germline): Uncertain significance (1 of 4 stars; one submission).

Submission:

GeneDx
Classification: Uncertain significance. Last evaluated: 2020-10-23. Review status: criteria provided, single submitter. Criteria: GeneDx Variant Classification Process June 2021. Collection method: clinical testing. Allele origin: germline. Affected: yes.
Comment: Not observed in large population cohorts (Lek et al., 2016); In silico analysis supports that this missense variant does not alter protein structure/function; Has not been previously published as pathogenic or benign to our knowledge

NM_005121.3(MED13):c.2575A>G (p.Ser859Gly)

Gene: MED13 (mediator complex subunit 13; minus strand). Cytogenetic location: 17q23.2.
Variant type: single nucleotide variant.
Coding change: c.2575A>G on transcript NM_005121.3 (MANE Select); coding-DNA position 2575, A replaced by G.
Protein change: p.Ser859Gly; replaces serine 859 with glycine.
Molecular consequence: missense variant.
Genome position (GRCh38, 1-based): chr17:61,984,767, T>C on the plus strand (A>G on the coding strand, the complement: MED13 is on the minus strand). VCF-style: chr17-61984767-T-C. GRCh37 (hg19) VCF-style: chr17-60062128-T-C.
Other names: short protein forms S859G.
Identifiers: ClinVar variation 1304391 (VCV001304391.2), dbSNP rs772740142, ClinGen allele CA400509728.